The following is an entry in ClinVar:

ClinVar aggregate classification (germline): Uncertain significance. Review status: criteria provided, multiple submitters, no conflicts (2 of 4 stars). 3 submissions from 3 submitters: Uncertain significance (3). Last evaluated 2026-01-18.

Conditions:
Hereditary cancer-predisposing syndrome. Also called: Tumor predisposition; Hereditary neoplastic syndrome; Hereditary Cancer Syndrome; Neoplastic Syndromes, Hereditary. Identifiers: Orphanet 140162, MedGen C0027672, MeSH D009386, MONDO:0015356.
Gorlin syndrome. Also called: Basal cell nevus syndrome; Nevoid Basal Cell Carcinoma Syndrome. Identifiers: Orphanet 377, MedGen C0004779, MONDO:0007187.

Allele frequency attached by ClinVar (database versions not stated): TOPMed below 0.00001.

Submissions (3):

Labcorp Genetics (formerly Invitae), Labcorp
Classification: Uncertain significance for Gorlin syndrome. Last evaluated: 2026-01-18. Review status: criteria provided, single submitter. Criteria: Invitae Variant Classification Sherloc (09022015). Collection method: clinical testing. Allele origin: germline.
Comment: This sequence change replaces glutamine, which is neutral and polar, with glutamic acid, which is acidic and polar, at codon 889 of the PTCH1 protein (p.Gln889Glu). This variant is not present in population databases (gnomAD no frequency). This variant has not been reported in the literature in individuals affected with PTCH1-related conditions. ClinVar contains an entry for this variant (Variation ID: 1443239). Invitae Evidence Modeling of protein sequence and biophysical properties (such as structural, functional, and spatial information, amino acid conservation, physicochemical variation, residue mobility, and thermodynamic stability) has been performed for this missense variant. However, the output from this modeling did not meet the statistical confidence thresholds required to predict the impact of this variant on PTCH1 protein function. In summary, the available evidence is currently insufficient to determine the role of this variant in disease. Therefore, it has been classified as a Variant of Uncertain Significance.

Ambry Genetics
Classification: Uncertain significance for Hereditary cancer-predisposing syndrome. Last evaluated: 2024-12-19. Review status: criteria provided, single submitter. Criteria: Ambry Variant Classification Scheme 2023. Collection method: clinical testing. Allele origin: germline.
Comment: The p.Q889E variant (also known as c.2665C>G), located in coding exon 16 of the PTCH1 gene, results from a C to G substitution at nucleotide position 2665. The glutamine at codon 889 is replaced by glutamic acid, an amino acid with highly similar properties. This amino acid position is conserved. In addition, this alteration is predicted to be deleterious by in silico analysis. Since supporting evidence is limited at this time, the clinical significance of this alteration remains unclear.

GeneDx
Classification: Uncertain significance. Last evaluated: 2023-05-26. Review status: criteria provided, single submitter. Criteria: GeneDx Variant Classification Process June 2021. Collection method: clinical testing. Allele origin: germline. Affected: yes.
Comment: Not observed at significant frequency in large population cohorts (gnomAD); In silico analysis supports that this missense variant has a deleterious effect on protein structure/function; Has not been previously published as pathogenic or benign to our knowledge

NM_000264.5(PTCH1):c.2665C>G (p.Gln889Glu)

Gene: PTCH1 (patched 1; minus strand). Cytogenetic location: 9q22.32.
Variant type: single nucleotide variant.
Coding change: c.2665C>G on transcript NM_000264.5 (MANE Select); coding-DNA position 2665, C replaced by G.
Protein change: p.Gln889Glu; replaces glutamine 889 with glutamic acid.
Molecular consequence: missense variant. On other transcripts: non-coding transcript variant (1).
Genome position (GRCh38, 1-based): chr9:95,461,894, G>C on the plus strand (C>G on the coding strand, the complement: PTCH1 is on the minus strand). VCF-style: chr9-95461894-G-C. GRCh37 (hg19) VCF-style: chr9-98224176-G-C.
Other names: c.2467C>G, p.Gln823Glu (NM_001083602.3); c.2662C>G, p.Gln888Glu (NM_001083603.3); c.2212C>G, p.Gln738Glu (NM_001083604.3, NM_001083605.3, NM_001083606.3 and 1 more transcripts); c.2509C>G, p.Gln837Glu (NM_001354918.2); short protein forms Q837E, Q823E, Q888E, Q889E, Q738E.
Identifiers: ClinVar variation 1443239 (VCV001443239.15), dbSNP rs1839507201, ClinGen allele CA374113358.